The following is an entry in ClinVar:

NM_005263.5(GFI1):c.514C>G (p.Arg172Gly)

Gene: GFI1 (growth factor independent 1 transcriptional repressor; minus strand). Cytogenetic location: 1p22.1.
Variant type: single nucleotide variant.
Coding change: c.514C>G on transcript NM_005263.5 (MANE Select); coding-DNA position 514, C replaced by G.
Protein change: p.Arg172Gly; replaces arginine 172 with glycine.
Molecular consequence: missense variant.
Genome position (GRCh38, 1-based): chr1:92,480,873, G>C on the plus strand (C>G on the coding strand, the complement: GFI1 is on the minus strand). VCF-style: chr1-92480873-G-C. GRCh37 (hg19) VCF-style: chr1-92946430-G-C.
Other names: c.514C>G, p.Arg172Gly (NM_001127215.3, NM_001127216.3); short protein forms R172G.
Identifiers: ClinVar variation 1061309 (VCV001061309.9), dbSNP rs1571216920, ClinGen allele CA341149680.

ClinVar aggregate classification (germline): Uncertain significance (1 of 4 stars; one submission).

Conditions:
Neutropenia, severe congenital, 2, autosomal dominant. Identifiers: Orphanet 486, MedGen C2751288, MONDO:0013139, OMIM 613107.

Submission:

Labcorp Genetics (formerly Invitae), Labcorp
Classification: Uncertain significance for Neutropenia, severe congenital, 2, autosomal dominant. Last evaluated: 2020-09-16. Review status: criteria provided, single submitter. Criteria: Invitae Variant Classification Sherloc (09022015). Collection method: clinical testing. Allele origin: germline.
Comment: In summary, the available evidence is currently insufficient to determine the role of this variant in disease. Therefore, it has been classified as a Variant of Uncertain Significance. Algorithms developed to predict the effect of missense changes on protein structure and function (SIFT, PolyPhen-2, Align-GVGD) all suggest that this variant is likely to be tolerated, but these predictions have not been confirmed by published functional studies and their clinical significance is uncertain. This variant has not been reported in the literature in individuals with GFI1-related conditions. The frequency data for this variant in the population databases is considered unreliable, as metrics indicate insufficient coverage at this position in the ExAC database. This sequence change replaces arginine with glycine at codon 172 of the GFI1 protein (p.Arg172Gly). The arginine residue is weakly conserved and there is a moderate physicochemical difference between arginine and glycine.